The following is an entry in ClinVar:

NM_004541.4(NDUFA1):c.25C>T (p.Leu9Phe)

Genes: NDUFA1 (NADH:ubiquinone oxidoreductase subunit A1; plus strand), LOC130068621 (ATAC-STARR-seq lymphoblastoid active region 29902; plus strand). Cytogenetic location: Xq24.
Variant type: single nucleotide variant.
Coding change: c.25C>T on transcript NM_004541.4 (MANE Select); coding-DNA position 25, C replaced by T.
Protein change: p.Leu9Phe; replaces leucine 9 with phenylalanine.
Molecular consequence: missense variant.
Genome position (GRCh38, 1-based): chrX:119,871,936, C>T. VCF-style: chrX-119871936-C-T. GRCh37 (hg19) VCF-style: chrX-119005899-C-T.
Other names: short protein forms L9F.
Identifiers: ClinVar variation 4806747 (VCV004806747.1).

ClinVar aggregate classification (germline): Uncertain significance (1 of 4 stars; one submission).

Submission:

Labcorp Genetics (formerly Invitae), Labcorp
Classification: Uncertain significance. Last evaluated: 2025-11-05. Review status: criteria provided, single submitter. Criteria: Invitae Variant Classification Sherloc (09022015). Collection method: clinical testing. Allele origin: germline.
Comment: This sequence change replaces leucine, which is neutral and non-polar, with phenylalanine, which is neutral and non-polar, at codon 9 of the NDUFA1 protein (p.Leu9Phe). This variant is not present in population databases (gnomAD no frequency). This variant has not been reported in the literature in individuals affected with NDUFA1-related conditions. An algorithm developed to predict the effect of missense changes on protein structure and function (PolyPhen-2) suggests that this variant is likely to be tolerated. In summary, the available evidence is currently insufficient to determine the role of this variant in disease. Therefore, it has been classified as a Variant of Uncertain Significance.